The following is an entry in ClinVar:

NM_001165963.4(SCN1A):c.3783C>G (p.Tyr1261Ter)

Genes: SCN1A (sodium voltage-gated channel alpha subunit 1; minus strand), LOC102724058 (uncharacterized LOC102724058; plus strand). Cytogenetic location: 2q24.3.
Variant type: single nucleotide variant.
Coding change: c.3783C>G on transcript NM_001165963.4 (MANE Select); coding-DNA position 3783, C replaced by G.
Protein change: p.Tyr1261Ter; replaces tyrosine 1261 with a stop codon.
Molecular consequence: nonsense. On other transcripts: non-coding transcript variant (1).
Genome position (GRCh38, 1-based): chr2:166,012,205, G>C on the plus strand (C>G on the coding strand, the complement: SCN1A is on the minus strand). VCF-style: chr2-166012205-G-C. GRCh37 (hg19) VCF-style: chr2-166868715-G-C.
Other names: c.3699C>G, p.Tyr1233Ter (NM_001165964.3, NM_001353957.2, NM_001353958.2); c.3783C>G, p.Tyr1261Ter (NM_001202435.3, NM_001353948.2); c.3750C>G, p.Tyr1250Ter (NM_001353949.2, NM_001353950.2, NM_001353951.2 and 2 more transcripts); c.3747C>G, p.Tyr1249Ter (NM_001353954.2, NM_001353955.2); c.3696C>G, p.Tyr1232Ter (NM_001353960.2); c.1341C>G, p.Tyr447Ter (NM_001353961.2); short protein forms Y1250*, Y1261*, Y1233*, Y1249*, Y447*, Y1232*.
Identifiers: ClinVar variation 567285 (VCV000567285.9), dbSNP rs1043031572, ClinGen allele CA349054373.

ClinVar aggregate classification (germline): Pathogenic (1 of 4 stars; one submission).

Conditions:
Early-infantile DEE. Also called: Ohtahara syndrome; Early infantile epileptic encephalopathy; Early infantile epileptic encephalopathy with suppression bursts. Identifiers: Orphanet 1934, MedGen C0393706, MONDO:0800491.

Submission:

Labcorp Genetics (formerly Invitae), Labcorp
Classification: Pathogenic for Early-infantile DEE. Last evaluated: 2018-01-24. Review status: criteria provided, single submitter. Criteria: Invitae Variant Classification Sherloc (09022015). Collection method: clinical testing. Allele origin: germline.
Comment: For these reasons, this variant has been classified as Pathogenic. Loss-of-function variants in SCN1A are known to be pathogenic (PMID: 17347258, 18930999). A different variant (c.3783C>A) giving rise to the same protein effect observed here (p.Tyr1261*) has been reported in an individual affected with Dravet syndrome (PMID: 18930999). This variant has not been reported in the literature in individuals with SCN1A-related disease. This variant is not present in population databases (ExAC no frequency). This sequence change creates a premature translational stop signal (p.Tyr1261*) in the SCN1A gene. It is expected to result in an absent or disrupted protein product.

Literature cited by the submitters: PubMed 17347258; PubMed 18930999.